The following is an entry in ClinVar:

NM_001818.5(AKR1C4):c.667C>T (p.Arg223Ter)

Gene: AKR1C4 (aldo-keto reductase family 1 member C4; plus strand). Cytogenetic location: 10p15.1.
Variant type: single nucleotide variant.
Coding change: c.667C>T on transcript NM_001818.5 (MANE Select); coding-DNA position 667, C replaced by T.
Protein change: p.Arg223Ter; replaces arginine 223 with a stop codon.
Molecular consequence: nonsense.
Genome position (GRCh38, 1-based): chr10:5,212,712, C>T. VCF-style: chr10-5212712-C-T. GRCh37 (hg19) VCF-style: chr10-5254675-C-T.
Other names: short protein forms R223*.
Identifiers: ClinVar variation 2735382 (VCV002735382.3), dbSNP rs782309814, ClinGen allele CA5391541.

ClinVar aggregate classification (germline): Uncertain significance (1 of 4 stars; one submission).

gnomAD v4.1: 118 of 1,611,562 alleles (0.0073%); highest among the groups gnomAD compares: Non-Finnish European, 0.0095%; no homozygotes.

Submission:

Labcorp Genetics (formerly Invitae), Labcorp
Classification: Uncertain significance. Last evaluated: 2023-12-01. Review status: criteria provided, single submitter. Criteria: Invitae Variant Classification Sherloc (09022015). Collection method: clinical testing. Allele origin: germline.
Comment: This sequence change creates a premature translational stop signal (p.Arg223*) in the AKR1C4 gene. It is expected to result in an absent or disrupted protein product. However, the current clinical and genetic evidence is not sufficient to establish whether loss-of-function variants in AKR1C4 cause disease. This variant is present in population databases (rs782309814, gnomAD 0.006%). This variant has not been reported in the literature in individuals affected with AKR1C4-related conditions. Algorithms developed to predict the effect of sequence changes on RNA splicing suggest that this variant may disrupt the consensus splice site. In summary, the available evidence is currently insufficient to determine the role of this variant in disease. Therefore, it has been classified as a Variant of Uncertain Significance.